The following is an entry in ClinVar:

ClinVar aggregate classification (germline): Conflicting classifications of pathogenicity. Review status: criteria provided, conflicting classifications (1 of 4 stars). 7 submissions from 7 submitters: Uncertain significance (3); Likely benign (2). 2 of the submissions do not count toward it. Last evaluated 2025-12-16.

Conditions:
Brugada syndrome 3 (BRGDA3). Identifiers: Orphanet 130, MedGen C2678478, MONDO:0012742, OMIM 611875.
Timothy syndrome (TS). Also called: LONG QT SYNDROME WITH SYNDACTYLY. Identifiers: Orphanet 65283, MedGen C1832916, MeSH C536962, MONDO:0010979, OMIM 601005.
Long QT syndrome 8. Identifiers: MedGen CN260585, MONDO:0032756, OMIM 618447.
Cardiovascular phenotype. Identifiers: MedGen CN230736.
Long QT syndrome (LQTS). Identifiers: MedGen C0023976, MeSH D008133, MONDO:0002442. Disease mechanism: loss of function. Inheritance: Various modes of inheritance.

Allele frequency attached by ClinVar (database versions not stated): ExAC 0.00004; gnomAD 0.00005 and 0.00006; gnomAD exomes 0.00005 and 0.00007; TOPMed 0.00005.
gnomAD v4.1: 85 of 1,612,382 alleles (0.0053%); highest among the groups gnomAD compares: Admixed American, 0.017%; no homozygotes.

Submissions (7):

Labcorp Genetics (formerly Invitae), Labcorp
Classification: Likely benign for Long QT syndrome. Last evaluated: 2025-12-16. Review status: criteria provided, single submitter. Criteria: Invitae Variant Classification Sherloc (09022015). Collection method: clinical testing. Allele origin: germline.

Ambry Genetics
Classification: Likely benign for Cardiovascular phenotype. Last evaluated: 2023-08-14. Review status: criteria provided, single submitter. Criteria: Ambry Variant Classification Scheme 2023. Collection method: clinical testing. Allele origin: germline.

Fulgent Genetics
Classification: Uncertain significance for Timothy syndrome; Brugada syndrome 3; Long QT syndrome 8. Last evaluated: 2021-08-10. Review status: criteria provided, single submitter. Criteria: ACMG Guidelines, 2015. Collection method: clinical testing. Allele origin: unknown.

Mayo Clinic Laboratories, Mayo Clinic
Classification: Uncertain significance. Last evaluated: 2021-07-21. Review status: criteria provided, single submitter. Criteria: ACMG Guidelines, 2015. Collection method: clinical testing. Allele origin: germline.

GeneDx
Classification: Uncertain significance. Last evaluated: 2020-07-14. Review status: criteria provided, single submitter. Criteria: GeneDx Variant Classification Process June 2021. Collection method: clinical testing. Allele origin: germline. Affected: yes.
Comment: Has not been previously published in association with CACNA1C-related disorders to our knowledge; Reported in ClinVar as a variant of uncertain significance (ClinVar Variant ID# 420309; Landrum et al., 2016); In silico analysis supports that this missense variant has a deleterious effect on protein structure/function

Clinical Genetics, Academic Medical Center
Classification: Uncertain significance. Review status: no assertion criteria provided. Collection method: clinical testing. Allele origin: germline. Affected: yes. Study: VKGL Data-share Consensus. Not counted in ClinVar's aggregate classification.

Joint Genome Diagnostic Labs from Nijmegen and Maastricht, Radboudumc and MUMC+
Classification: Uncertain significance. Review status: no assertion criteria provided. Collection method: clinical testing. Allele origin: germline. Affected: yes. Study: VKGL Data-share Consensus. Not counted in ClinVar's aggregate classification.

Literature cited by the submitters: PubMed 30847666 (cited by Ambry Genetics).

NM_000719.7(CACNA1C):c.2350C>T (p.Pro784Ser)

Gene: CACNA1C (calcium voltage-gated channel subunit alpha1 C; plus strand). Cytogenetic location: 12p13.33.
Variant type: single nucleotide variant.
Coding change: c.2350C>T on transcript NM_000719.7 (MANE Select); coding-DNA position 2350, C replaced by T.
Protein change: p.Pro784Ser; replaces proline 784 with serine.
Molecular consequence: missense variant.
Genome position (GRCh38, 1-based): chr12:2,585,386, C>T. VCF-style: chr12-2585386-C-T. GRCh37 (hg19) VCF-style: chr12-2694552-C-T.
Other names: p.Pro784Ser; c.2350C>T, p.Pro784Ser (NM_001129827.2, NM_001129829.2, NM_001129830.3 and 18 more transcripts); c.2341C>T, p.Pro781Ser (NM_001129844.2); short protein forms P784S, P781S.
Identifiers: ClinVar variation 420309 (VCV000420309.22), dbSNP rs749935207, ClinGen allele CA6388954.